The following continues an entry in ClinVar:

NM_000138.5(FBN1):c.4460-8G>A

Gene: FBN1. ClinVar aggregate classification (germline): Pathogenic/Likely pathogenic. Pathogenic (5); Likely pathogenic (5).

Submissions 9 to 12 of 12:

Women's Health and Genetics/Laboratory Corporation of America, LabCorp
Classification: Likely pathogenic for Marfan Syndrome. Last evaluated: 2011-08-18. Review status: criteria provided, single submitter. Criteria: LabCorp Variant Classification Summary - May 2015. Collection method: curation, clinical testing. Allele origin: germline. Inheritance: autosomal dominant. Affected: yes. Observed: 2 variant alleles.
ClinVar note: Converted during submission from likely pathogenic to Likely pathogenic.

Center for Genomics, Ann and Robert H. Lurie Children's Hospital of Chicago
Classification: Pathogenic for Geleophysic dysplasia 2; Weill-Marchesani syndrome 2, dominant; Ectopia lentis 1, isolated, autosomal dominant; MASS syndrome; Progeroid and marfanoid aspect-lipodystrophy syndrome; Acromicric dysplasia; Marfan syndrome; Stiff skin syndrome. Review status: criteria provided, single submitter. Criteria: ACMG Guidelines, 2015. Collection method: clinical testing. Allele origin: germline.
Comment: This variant has been reported in the literature in at least 3 individuals who meet clinical diagnostic criteria for Marfan syndrome (MFS; Loeys 2001 PMID: 11700157; Stheneur 2009 PMID: 19293843; Stark 2020 PMID: 32679894), two unrelated individuals with ectopia lentis with or without additional systemic features of MFS and in at least two similarly affected family members (Pepe 2007 PMID: 18087243; Guo 2024 PMID: 38190127), and an individual with an undescribed clinical suspicion of MFS or another connective tissue disorder (Yoon 2023 PMID: 37558401). It is present in gnomAD (Highest reported MAF: 0.0017% [1/59992]) and ClinVar (Variation ID: 36075). This variant is located in the acceptor splice region of intron 35, and is predicted to weaken the canonical acceptor site and create a new acceptor site two base pairs downstream from this variant. Complementary DNA (cDNA) sequencing studies are consistent with the in silico predictions, demonstrating that this variant results in the retention of the last 6 nucleotides of intron 35 into exon 35, which is predicted to result in the in-frame insertion of two novel amino acids (Loeys 2001 PMID: 11700157; Pepe 2007 PMID: 18087243). This predicted insertion p.(Thr1486_Asp1487insValLeu) would be in a calcium-binding EGF-like domain, positioned directly adjacent to that domain's consensus calcium-binding sequencing (Muiño-Mosquera 2018 PMID: 29875124). In summary, this variant is classified as pathogenic.

Department of Laboratory Medicine and Genetics, Samsung Medical Center
Classification: Pathogenic for Marfan syndrome. Last evaluated: 2025-01-02. Review status: no assertion criteria provided. Collection method: clinical testing. Allele origin: germline. Affected: yes. Not counted in ClinVar's aggregate classification.
Comment: The NM_000138.5:c.4460-8G>A is considered to be not rare in the general population database (gnomAD v2.1.1). This variant is predicted to be deleterious by in-silico analysis (SpliceAI). This variant was found in a patient with ectopia lentis or Marfan syndrome (PMID: 11700157; 18087243; 19293843; 32679894; 33844962; 38190127). According to the ClinGen guidance for PP1/BS4 and PP4 criteria (PMID: 38103548), PP4 with weighted strength was applied. In summary, this variant was classified as a pathogenic variant for Marfan syndrome (PS4, PP3, PP4 with weighted strength).

Center for Medical Genetics Ghent, University of Ghent
Classification: Likely pathogenic for Marfan syndrome. Last evaluated: 2017-11-07. Review status: no assertion criteria provided. Collection method: clinical testing. Allele origin: germline. Affected: yes. Not counted in ClinVar's aggregate classification.

Literature cited by the submitters: PubMed 11700157 (cited by 6 submitters); PubMed 19293843 (cited by 5 submitters); NCBI Bookshelf NBK1335 (cited by Victorian Clinical Genetics Services, Murdoch Childrens Research Institute); PubMed 18087243 (cited by 4 submitters); PubMed 20301510 (cited by Victorian Clinical Genetics Services, Murdoch Childrens Research Institute); PubMed 27274304 (cited by Victorian Clinical Genetics Services, Murdoch Childrens Research Institute); PubMed 29357934 (cited by Victorian Clinical Genetics Services, Murdoch Childrens Research Institute); PubMed 31950671 (cited by Victorian Clinical Genetics Services, Murdoch Childrens Research Institute); PubMed 32679894 (cited by Victorian Clinical Genetics Services, Murdoch Childrens Research Institute and Department of Laboratory Medicine and Genetics, Samsung Medical Center); PubMed 15241795 (cited by 3 submitters); PubMed 33844962 (cited by Department of Laboratory Medicine and Genetics, Samsung Medical Center); PubMed 37558401 (cited by Department of Laboratory Medicine and Genetics, Samsung Medical Center); PubMed 38190127 (cited by Department of Laboratory Medicine and Genetics, Samsung Medical Center).